The following is an entry in ClinVar:

ClinVar aggregate classification (germline): Uncertain significance (1 of 4 stars; one submission).

Conditions:
Nephronophthisis 9 (NPHP9). Identifiers: Orphanet 655, MedGen C3151188, MONDO:0013444, OMIM 613824.

gnomAD v4.1: 1 of 1,614,218 alleles (0.000062%); highest among the groups gnomAD compares: Non-Finnish European, 0.000085%; no homozygotes.

Submission:

Labcorp Genetics (formerly Invitae), Labcorp
Classification: Uncertain significance for Nephronophthisis 9. Last evaluated: 2018-04-30. Review status: criteria provided, single submitter. Criteria: Invitae Variant Classification Sherloc (09022015). Collection method: clinical testing. Allele origin: germline.
Comment: In summary, the available evidence is currently insufficient to determine the role of this variant in disease. Therefore, it has been classified as a Variant of Uncertain Significance. Algorithms developed to predict the effect of missense changes on protein structure and function do not agree on the potential impact of this missense change (SIFT: "Deleterious"; PolyPhen-2: "Benign"; Align-GVGD: "Class C65"). This variant has not been reported in the literature in individuals with NEK8-related disease. This variant is not present in population databases (ExAC no frequency). This sequence change replaces alanine with serine at codon 47 of the NEK8 protein (p.Ala47Ser). The alanine residue is highly conserved and there is a moderate physicochemical difference between alanine and serine.

NM_178170.3(NEK8):c.139G>T (p.Ala47Ser)

Gene: NEK8 (NIMA related kinase 8; plus strand). Cytogenetic location: 17q11.2.
Variant type: single nucleotide variant.
Coding change: c.139G>T on transcript NM_178170.3 (MANE Select); coding-DNA position 139, G replaced by T.
Protein change: p.Ala47Ser; replaces alanine 47 with serine.
Molecular consequence: missense variant.
Genome position (GRCh38, 1-based): chr17:28,734,074, G>T. VCF-style: chr17-28734074-G-T. GRCh37 (hg19) VCF-style: chr17-27061092-G-T.
Other names: short protein forms A47S.
Identifiers: ClinVar variation 571707 (VCV000571707.5), dbSNP rs1567759132, ClinGen allele CA398421965.